The following is an entry in ClinVar:

ClinVar aggregate classification (germline): Uncertain significance (1 of 4 stars; one submission).

Submission:

Labcorp Genetics (formerly Invitae), Labcorp
Classification: Uncertain significance. Last evaluated: 2022-06-17. Review status: criteria provided, single submitter. Criteria: Invitae Variant Classification Sherloc (09022015). Collection method: clinical testing. Allele origin: germline.
Comment: This variant, c.6276_6281dup, results in the insertion of 2 amino acid(s) of the VPS13D protein (p.Ser2093_Thr2094dup), but otherwise preserves the integrity of the reading frame. This variant is not present in population databases (gnomAD no frequency). In summary, the available evidence is currently insufficient to determine the role of this variant in disease. Therefore, it has been classified as a Variant of Uncertain Significance. This variant has not been reported in the literature in individuals affected with VPS13D-related conditions.

NM_015378.4(VPS13D):c.6276_6281dup (p.Thr2094_Glu2095insSerThr)

Gene: VPS13D (vacuolar protein sorting 13 homolog D; plus strand). Cytogenetic location: 1p36.22.
Variant type: Duplication.
Coding change: c.6276_6281dup on transcript NM_015378.4 (MANE Select); coding-DNA positions 6276 to 6281, 6 bases duplicated (AAGCAC; older notation c.6276_6281dupAAGCAC).
Protein change: p.Thr2094_Glu2095insSerThr.
Molecular consequence: inframe insertion.
Genome position (GRCh38, 1-based): chr1:12,304,565-12,304,570, AAGCAC duplicated; duplicating any 6 consecutive bases within chr1:12,304,563-12,304,570 gives the same sequence; the c. name uses the placement nearest the transcript's 3' end. VCF-style (leftmost placement, unchanged base first): chr1-12304562-G-GACAAGC. GRCh37 (hg19) VCF-style: chr1-12364619-G-GACAAGC.
Other names: c.6276_6281dup, p.Thr2094_Glu2095insSerThr (NM_018156.4).
Identifiers: ClinVar variation 1968448 (VCV001968448.5), dbSNP rs2524151992, ClinGen allele CA2580060552.